The following is an entry in ClinVar:

ClinVar aggregate classification (germline): Benign. Review status: criteria provided, single submitter (1 of 4 stars). 2 submissions from 2 submitters: Benign (1). 1 of the submissions does not count toward it. Last evaluated 2019-12-31.

Conditions:
ZC3H4-related disorder. Also called: ZC3H4-related condition.

Submissions (2):

Labcorp Genetics (formerly Invitae), Labcorp
Classification: Benign. Last evaluated: 2019-12-31. Review status: criteria provided, single submitter. Criteria: Invitae Variant Classification Sherloc (09022015). Collection method: clinical testing. Allele origin: germline.

PreventionGenetics, part of Exact Sciences
Classification: Likely benign for ZC3H4-related condition. Last evaluated: 2019-11-14. Review status: no assertion criteria provided. Collection method: clinical testing. Allele origin: germline. Not counted in ClinVar's aggregate classification.
Comment: This variant is classified as likely benign based on ACMG/AMP sequence variant interpretation guidelines (Richards et al. 2015 PMID: 25741868, with internal and published modifications).

NM_015168.2(ZC3H4):c.1934ACGCAGACATGC[1] (p.645HADM[1])

Gene: ZC3H4 (zinc finger CCCH-type containing 4; minus strand). Cytogenetic location: 19q13.32.
Variant type: Microsatellite.
Coding change: c.1934ACGCAGACATGC[1] on transcript NM_015168.2 (MANE Select); one copy of the 12-base unit ACGCAGACATGC starting at c.1934; the reference has two copies in a row; one copy, 12 bases deleted; also written c.1946_1957del.
Protein change: p.645HADM[1].
Molecular consequence: inframe deletion.
Genome position (GRCh38, 1-based): chr19:47,071,967-47,071,978, GCATGTCTGCGT deleted on the plus strand (ACGCAGACATGC on the coding strand, the reverse complement: ZC3H4 is on the minus strand); deleting any 12 consecutive bases within chr19:47,071,967-47,071,997 gives the same sequence; the position shown is the placement nearest the transcript's 3' end. VCF-style (leftmost placement, unchanged base first): chr19-47071966-GGCATGTCTGCGT-G. GRCh37 (hg19) VCF-style: chr19-47575223-GGCATGTCTGCGT-G.
Other names: c.1946_1957del (NM_015168.1); c.1946_1957del12 (NM_015168.1).
Identifiers: ClinVar variation 774959 (VCV000774959.6), dbSNP rs548858570, ClinGen allele CA9535037.